The following is an entry in ClinVar:

NM_001080442.3(SLC38A8):c.388+5G>A

Gene: SLC38A8 (solute carrier family 38 member 8; minus strand). Cytogenetic location: 16q23.3.
Variant type: single nucleotide variant.
Coding change: c.388+5G>A on transcript NM_001080442.3 (MANE Select); 5 bases into the intron after coding-DNA position 388, G replaced by A.
Molecular consequence: intron variant.
Genome position (GRCh38, 1-based): chr16:84,036,697, C>T on the plus strand (G>A on the coding strand, the complement: SLC38A8 is on the minus strand). VCF-style: chr16-84036697-C-T. GRCh37 (hg19) VCF-style: chr16-84070302-C-T.
Identifiers: ClinVar variation 383962 (VCV000383962.7), dbSNP rs760391436, ClinGen allele CA8200347.

ClinVar aggregate classification (germline): Conflicting classifications of pathogenicity. Review status: criteria provided, conflicting classifications (1 of 4 stars). 3 submissions from 3 submitters: Pathogenic (1); Uncertain significance (1). 1 of the submissions does not count toward it. Last evaluated 2025-09-08.

Conditions:
Leber congenital amaurosis (LCA). Also called: Leber's amaurosis. Identifiers: Orphanet 65, MedGen C0339527, MeSH D057130, MONDO:0018998.

Allele frequency attached by ClinVar (database versions not stated): ExAC 0.00002; gnomAD exomes 0.00002; gnomAD 0.00014; TOPMed 0.00020.
gnomAD v4.1: 47 of 1,614,000 alleles (0.0029%); highest among the groups gnomAD compares: Admixed American, 0.048%; 1 homozygote.

Submissions (3):

GeneDx
Classification: Pathogenic. Last evaluated: 2025-09-08. Review status: criteria provided, single submitter. Criteria: GeneDx Variant Classification Process June 2021. Collection method: clinical testing. Allele origin: germline. Affected: yes.
Comment: Reported in the homozygous state in an individual with a clinical diagnosis of Leber congenital amaurosis in published literature, although this individual was also homozygous for a frameshift variant in the PLA2G6 gene (PMID: 28714225); RNA studies demonstrate a damaging effect as this variant demonstrates abnormal gene splicing and predicted premature truncation codon and nonsense mediated decay (PMID: 28714225); This variant is associated with the following publications: (PMID: 31964843, 33594928, 35029636, 28714225)

Labcorp Genetics (formerly Invitae), Labcorp
Classification: Uncertain significance. Last evaluated: 2025-03-31. Review status: criteria provided, single submitter. Criteria: Invitae Variant Classification Sherloc (09022015). Collection method: clinical testing. Allele origin: germline.
Comment: This sequence change falls in intron 2 of the SLC38A8 gene. It does not directly change the encoded amino acid sequence of the SLC38A8 protein. It affects a nucleotide within the consensus splice site. This variant is present in population databases (rs760391436, gnomAD 0.006%). This variant has been observed in individual(s) with foveal hypoplasia (PMID: 33594928). ClinVar contains an entry for this variant (Variation ID: 383962). Variants that disrupt the consensus splice site are a relatively common cause of aberrant splicing (PMID: 17576681, 9536098). Studies have shown that this variant alters mRNA splicing and is expected to lead to the loss of protein expression (PMID: 28714225). In summary, the available evidence is currently insufficient to determine the role of this variant in disease. Therefore, it has been classified as a Variant of Uncertain Significance.

Rui Chen Lab, Baylor College of Medicine
Classification: Likely pathogenic for Leber congenital amaurosis. Last evaluated: 2017-05-09. Review status: no assertion criteria provided. Collection method: research. Allele origin: germline. Affected: yes. Not counted in ClinVar's aggregate classification.
Comment: An in vitrominigene system was used to confirm that the variant disrupts splicing

Literature cited by the submitters: PubMed 33594928 (cited by Labcorp Genetics (formerly Invitae), Labcorp); PubMed 17576681 (cited by Labcorp Genetics (formerly Invitae), Labcorp); PubMed 9536098 (cited by Labcorp Genetics (formerly Invitae), Labcorp); PubMed 28714225 (cited by Labcorp Genetics (formerly Invitae), Labcorp).